The following is an entry in ClinVar:

ClinVar aggregate classification (germline): Uncertain significance (1 of 4 stars; one submission).

Conditions:
Intellectual disability-facial dysmorphism syndrome due to SETD5 haploinsufficiency (MRD23). Also called: Intellectual developmental disorder, autosomal dominant 23. Identifiers: Orphanet 404440, MedGen C3810406, MONDO:0014336, OMIM 615761.

Allele frequency attached by ClinVar (database versions not stated): gnomAD exomes below 0.00001.
gnomAD v4.1: 5 of 1,542,782 alleles (0.00032%); highest among the groups gnomAD compares: African/African-American, 0.0027%; no homozygotes.

Submission:

Baylor Genetics
Classification: Uncertain significance for Intellectual disability-facial dysmorphism syndrome due to SETD5 haploinsufficiency. Last evaluated: 2018-03-16. Review status: criteria provided, single submitter. Criteria: ACMG Guidelines, 2015. Collection method: clinical testing. Allele origin: unknown. Affected: yes.
Comment: This variant was determined to be of uncertain significance according to ACMG Guidelines, 2015 [PMID:25741868].

NM_001080517.3(SETD5):c.2346+15T>G

Gene: SETD5 (SET domain containing 5; plus strand). Cytogenetic location: 3p25.3.
Variant type: single nucleotide variant.
Coding change: c.2346+15T>G on transcript NM_001080517.3 (MANE Select); 15 bases into the intron after coding-DNA position 2346, T replaced by G.
Molecular consequence: intron variant.
Genome position (GRCh38, 1-based): chr3:9,448,645, T>G. VCF-style: chr3-9448645-T-G. GRCh37 (hg19) VCF-style: chr3-9490329-T-G.
Other names: c.2052+15T>G (NM_001349451.2, NM_001292043.2).
Identifiers: ClinVar variation 1032604 (VCV001032604.1), dbSNP rs1575476974, ClinGen allele CA541211738.